The following is an entry in ClinVar:

ClinVar aggregate classification (germline): Benign/Likely benign. Review status: criteria provided, multiple submitters, no conflicts (2 of 4 stars). 3 submissions from 3 submitters: Benign (2); Likely benign (1). Last evaluated 2026-01-24.

Allele frequency attached by ClinVar (database versions not stated): TOPMed 0.00127; 1000 Genomes Project 30x 0.00437; 1000 Genomes Project 0.00499.
gnomAD v4.1: 810 of 1,336,124 alleles (0.061%); highest among the groups gnomAD compares: East Asian, 1.4%; 7 homozygotes.

Submissions (3):

Labcorp Genetics (formerly Invitae), Labcorp
Classification: Benign. Last evaluated: 2026-01-24. Review status: criteria provided, single submitter. Criteria: Invitae Variant Classification Sherloc (09022015). Collection method: clinical testing. Allele origin: germline.

Blueprint Genetics
Classification: Likely benign. Last evaluated: 2024-11-20. Review status: criteria provided, single submitter. Criteria: ACMG Guidelines, 2015. Collection method: clinical testing. Allele origin: germline.

GeneDx
Classification: Benign. Last evaluated: 2015-06-04. Review status: criteria provided, single submitter. Criteria: GeneDx Variant Classification (06012015). Collection method: clinical testing. Allele origin: germline. Affected: yes.
Comment: This variant is considered likely benign or benign based on one or more of the following criteria: it is a conservative change, it occurs at a poorly conserved position in the protein, it is predicted to be benign by multiple in silico algorithms, and/or has population frequency not consistent with disease.

NM_133259.4(LRPPRC):c.2896+16A>G

Gene: LRPPRC (leucine rich pentatricopeptide repeat containing; minus strand). Cytogenetic location: 2p21.
Variant type: single nucleotide variant.
Coding change: c.2896+16A>G on transcript NM_133259.4 (MANE Select); 16 bases into the intron after coding-DNA position 2896, A replaced by G.
Molecular consequence: intron variant.
Genome position (GRCh38, 1-based): chr2:43,925,051, T>C on the plus strand (A>G on the coding strand, the complement: LRPPRC is on the minus strand). VCF-style: chr2-43925051-T-C. GRCh37 (hg19) VCF-style: chr2-44152190-T-C.
Identifiers: ClinVar variation 378098 (VCV000378098.10), dbSNP rs117077213, ClinGen allele CA1638288.
Genomic context (GRCh38, chr2:43,925,051, plus strand): 5'-CAAAACCAAATACTCCTTTCCTGCCACTGCCTTCAACAGAATAAATGAAAGCGTGAAGAA[T>C]AGTTAAATCACTTACTATACAGTTTTAGCAGATTGTAGTACATCTGGTCTCTATCACATT-3'